The following is an entry in ClinVar:

ClinVar aggregate classification (germline): Pathogenic. Review status: criteria provided, single submitter (1 of 4 stars). 2 submissions from 1 submitter: Pathogenic (1). 1 of the submissions does not count toward it. Last evaluated 2017-01-30.

Conditions:
Rhabdoid tumor predisposition syndrome 1 (RTPS1). Also called: Familial Posterior Fossa Brain Tumor of Infancy. Identifiers: Orphanet 231108, Orphanet 69077, MedGen C1836327, MONDO:0012252, OMIM 609322.

Submissions (2):

Labcorp Genetics (formerly Invitae), Labcorp
Classification: Pathogenic. Last evaluated: 2017-01-30. Review status: criteria provided, single submitter. Criteria: Invitae Variant Classification Sherloc (09022015). Collection method: clinical testing. Allele origin: germline.
Comment: This variant is a gross deletion of the genomic region encompassing exon 3 of the SMARCB1 gene. This creates a premature translational stop signal and is expected to result in an absent or disrupted protein product. While this particular variant has not been reported in the literature, loss-of-function variants in SMARCB1 are known to be pathogenic (PMID: 10521299, 21208904). For these reasons, this variant has been classified as Pathogenic.

Labcorp Genetics (formerly Invitae), Labcorp
Classification: Pathogenic for Rhabdoid tumor predisposition syndrome 1. Last evaluated: 2017-02-03. Review status: flagged submission. Criteria: Invitae Variant Classification Sherloc (09022015). Collection method: clinical testing. Allele origin: germline. Not counted in ClinVar's aggregate classification.
Comment: the same text as in the submission from Labcorp Genetics (formerly Invitae), Labcorp above.
ClinVar note: Reason: This record appears to be redundant with a more recent record from the same submitter.
ClinVar note: Notes: SCV000638739 appears to be redundant with SCV001585322.

Literature cited by the submitters: PubMed 10521299; PubMed 21208904.

NC_000022.11:g.(?_23793553)_(23793694_?)del

Gene: SMARCB1 (SWI/SNF related BAF chromatin remodeling complex subunit B1; plus strand). Cytogenetic location: 22q11.23.
Variant type: Deletion.
Identifiers: ClinVar variation 464316 (VCV000464316.2).